The following is an entry in ClinVar:

NM_005909.5(MAP1B):c.4380G>A (p.Gly1460=)

Gene: MAP1B (microtubule associated protein 1B; plus strand). Cytogenetic location: 5q13.2.
Variant type: single nucleotide variant.
Coding change: c.4380G>A on transcript NM_005909.5 (MANE Select); coding-DNA position 4380, G replaced by A.
Protein change: p.Gly1460=; no amino-acid change (glycine 1460 retained).
Molecular consequence: synonymous variant.
Genome position (GRCh38, 1-based): chr5:72,197,735, G>A. VCF-style: chr5-72197735-G-A. GRCh37 (hg19) VCF-style: chr5-71493562-G-A.
Other names: c.4002G>A, p.Gly1334= (NM_001324255.2).
Identifiers: ClinVar variation 3048069 (VCV003048069.6), dbSNP rs748981282, ClinGen allele CA3299159.

ClinVar aggregate classification (germline): Likely benign. Review status: criteria provided, single submitter (1 of 4 stars). 2 submissions from 2 submitters: Likely benign (1). 1 of the submissions does not count toward it. Last evaluated 2026-01-01.

Conditions:
MAP1B-related disorder. Also called: MAP1B-related condition.

Allele frequency attached by ClinVar (database versions not stated): ExAC 0.00002; gnomAD exomes 0.00004; TOPMed 0.00036; gnomAD 0.00041.
gnomAD v4.1: 116 of 1,613,998 alleles (0.0072%); highest among the groups gnomAD compares: Admixed American, 0.19%; 2 homozygotes.

Submissions (2):

CeGaT Center for Human Genetics Tuebingen
Classification: Likely benign. Last evaluated: 2026-01-01. Review status: criteria provided, single submitter. Criteria: CeGaT Center For Human Genetics Tuebingen Variant Classification Criteria Version 2. Collection method: clinical testing. Allele origin: germline. Affected: yes. Observed: 1 variant allele.
Comment: MAP1B: BP4, BP7, BS1

PreventionGenetics, part of Exact Sciences
Classification: Likely benign for MAP1B-related condition. Last evaluated: 2023-07-13. Review status: no assertion criteria provided. Collection method: clinical testing. Allele origin: germline. Not counted in ClinVar's aggregate classification.
Comment: This variant is classified as likely benign based on ACMG/AMP sequence variant interpretation guidelines (Richards et al. 2015 PMID: 25741868, with internal and published modifications).